The following is an entry in ClinVar:

NM_001197104.2(KMT2A):c.11428C>T (p.Arg3810Trp)

Genes: KMT2A (lysine methyltransferase 2A; plus strand), TTC36-AS1 (TTC36 and KMT2A antisense RNA 1; minus strand). Cytogenetic location: 11q23.3.
Variant type: single nucleotide variant.
Coding change: c.11428C>T on transcript NM_001197104.2 (MANE Select); coding-DNA position 11428, C replaced by T.
Protein change: p.Arg3810Trp; replaces arginine 3810 with tryptophan.
Molecular consequence: missense variant.
Genome position (GRCh38, 1-based): chr11:118,520,063, C>T. VCF-style: chr11-118520063-C-T. GRCh37 (hg19) VCF-style: chr11-118390778-C-T.
Other names: c.11419C>T, p.Arg3807Trp (NM_005933.4); short protein forms R3807W, R3810W.
Identifiers: ClinVar variation 1695501 (VCV001695501.2), dbSNP rs1555053010, ClinGen allele CA382833914.

ClinVar aggregate classification (germline): Uncertain significance (1 of 4 stars; one submission).

Allele frequency attached by ClinVar (database versions not stated): gnomAD exomes below 0.00001.
gnomAD v4.1: 4 of 1,607,570 alleles (0.00025%); highest among the groups gnomAD compares: Non-Finnish European, 0.00034%; no homozygotes.

Submission:

GeneDx
Classification: Uncertain significance. Last evaluated: 2022-01-05. Review status: criteria provided, single submitter. Criteria: GeneDx Variant Classification Process June 2021. Collection method: clinical testing. Allele origin: germline. Affected: yes.
Comment: Not observed at significant frequency in large population cohorts (gnomAD); In silico analysis supports that this missense variant has a deleterious effect on protein structure/function; Has not been previously published as pathogenic or benign to our knowledge